The following is an entry in ClinVar:

ClinVar aggregate classification (germline): Uncertain significance (1 of 4 stars; one submission).

Submission:

Ambry Genetics
Classification: Uncertain significance. Last evaluated: 2025-04-03. Review status: criteria provided, single submitter. Criteria: Ambry Variant Classification Scheme 2023. Collection method: clinical testing. Allele origin: germline.
Comment: The p.P35L variant (also known as c.104C>T), located in coding exon 1 of the GFI1 gene, results from a C to T substitution at nucleotide position 104. The proline at codon 35 is replaced by leucine, an amino acid with similar properties. This amino acid position is conserved. In addition, this alteration is predicted to be tolerated by in silico analysis. Based on the available evidence, the clinical significance of this variant remains unclear.

NM_005263.5(GFI1):c.104C>T (p.Pro35Leu)

Gene: GFI1 (growth factor independent 1 transcriptional repressor; minus strand). Cytogenetic location: 1p22.1.
Variant type: single nucleotide variant.
Coding change: c.104C>T on transcript NM_005263.5 (MANE Select); coding-DNA position 104, C replaced by T.
Protein change: p.Pro35Leu; replaces proline 35 with leucine.
Molecular consequence: missense variant.
Genome position (GRCh38, 1-based): chr1:92,483,384, G>A on the plus strand (C>T on the coding strand, the complement: GFI1 is on the minus strand). VCF-style: chr1-92483384-G-A. GRCh37 (hg19) VCF-style: chr1-92948941-G-A.
Other names: c.104C>T, p.Pro35Leu (NM_001127215.3, NM_001127216.3); short protein forms P35L.
Identifiers: ClinVar variation 4029380 (VCV004029380.1).